The following continues an entry in ClinVar:

NM_007294.4(BRCA1):c.1789G>A (p.Glu597Lys)

Gene: BRCA1. ClinVar aggregate classification (germline): Benign. Benign (1).

Submissions 18 to 20 of 20:

Sharing Clinical Reports Project (SCRP)
Classification: Likely benign for Breast-ovarian cancer, familial 1. Last evaluated: 2008-11-20. Review status: no assertion criteria provided. Collection method: clinical testing. Allele origin: germline. Not counted in ClinVar's aggregate classification.

Breast Cancer Information Core (BIC) (BRCA1)
Classification: Uncertain significance for Breast-ovarian cancer, familial 1. Last evaluated: 2002-05-29. Review status: no assertion criteria provided. Collection method: clinical testing. Allele origin: germline. Affected: yes. Observed: 16 variant alleles. Not counted in ClinVar's aggregate classification.

Department of Pathology and Laboratory Medicine, Sinai Health System
Classification: Uncertain significance for Malignant tumor of breast. Review status: no assertion criteria provided. Collection method: clinical testing. Allele origin: unknown. Affected: yes. Observed: 1 variant allele. Study: The Canadian Open Genetics Repository (COGR). Not counted in ClinVar's aggregate classification.
Comment: The BRCA1 p.Glu597Lys variant was identified in 7 of 7414 proband chromosomes (frequency: 0.0009) from individuals or families with breast cancer (Goidescu 2017, Momozawa 2018, Johnston 2012, Borg 2010, Lee 2008) and was identified in 6 of 48666 chromosomes (frequency: 0) from healthy individuals. In silico prediction models looking at causality likelihood ratios and posterior probability suggest the variant is neutral/not pathogenic (Easton 2007, Lindor 2012). The variant was identified in dbSNP (ID: rs55650082) â€šÃ„ÃºWith Pathogenic, other alleleâ€šÃ„Ã¹, ClinVar (classified benign, reviewed by an expert panel (2015); submitters: benign by ENIGMA, Ambry Genetics; likely benign by Color, Integrated Genetics/Laboratory Corporation of America, Invitae, GeneDx, SCRP and Pathway Genomics; uncertain significance by BIC and Biesecker Lab/Human Development Section (NIH)), LOVD 3.0 (1x), BIC Database (16X with unknown clinical importance, pending classification) and ARUP Laboratories (classified as 1 - not pathogenic or of no clinical significance). The variant was not identified in UMD-LSDB database. The variant was also identified in control databases in 22 of 276862 chromosomes at a frequency of 0.00008 increasing the likelihood this could be a low frequency benign variant (Genome Aggregation Database Feb 27, 2017), observed in the following populations: African in 3 of 23996 chromosomes (freq: 0.0001), European Non-Finnish in 18 of 126494 chromosomes (freq: 0.0001), and South Asian in 1 of 30778 chromosomes (freq: 0.00003) while not observed in the Other, Latino, Ashkenazi Jewish, East Asian and European Finnish populations. The p.Glu597 residue is not conserved in mammals and computational analyses (PolyPhen-2, SIFT, AlignGVGD, BLOSUM, MutationTaster) provide inconsistent predictions regarding the impact to the protein; this information is not very predictive of pathogenicity. The variant occurs outside of the splicing consensus sequence and in silico or computational prediction software programs (SpliceSiteFinder, MaxEntScan, NNSPLICE, GeneSplicer) do not predict a difference in splicing. In summary, based on the above information the clinical significance of this variant cannot be determined with certainty at this time. This variant is classified as a variant of uncertain significance.

Literature cited by the submitters: PubMed 21990134 (cited by 4 submitters); PubMed 33087888 (cited by Quest Diagnostics Nichols Institute San Juan Capistrano); PubMed 33471991 (cited by Quest Diagnostics Nichols Institute San Juan Capistrano and Sema4); PubMed 36243179 (cited by Quest Diagnostics Nichols Institute San Juan Capistrano); PubMed 22476429 (cited by 3 submitters); PubMed 21520273 (cited by Quest Diagnostics Nichols Institute San Juan Capistrano and Women's Health and Genetics/Laboratory Corporation of America, LabCorp); PubMed 16518693 (cited by Quest Diagnostics Nichols Institute San Juan Capistrano); PubMed 16267036 (cited by 3 submitters); PubMed 15385441 (cited by Quest Diagnostics Nichols Institute San Juan Capistrano); PubMed 12531920 (cited by Quest Diagnostics Nichols Institute San Juan Capistrano); PubMed 17924331 (cited by 3 submitters); PubMed 18824701 (cited by 3 submitters); PubMed 22753008 (cited by Quest Diagnostics Nichols Institute San Juan Capistrano); PubMed 20104584 (cited by Quest Diagnostics Nichols Institute San Juan Capistrano and Women's Health and Genetics/Laboratory Corporation of America, LabCorp); PubMed 25503501 (cited by Quest Diagnostics Nichols Institute San Juan Capistrano and Women's Health and Genetics/Laboratory Corporation of America, LabCorp); PubMed 30287823 (cited by Quest Diagnostics Nichols Institute San Juan Capistrano and Sema4); PubMed 29785153 (cited by Quest Diagnostics Nichols Institute San Juan Capistrano and Sema4); PubMed 26580448 (cited by Sema4 and Women's Health and Genetics/Laboratory Corporation of America, LabCorp); PubMed 22711857 (cited by Sema4 and Women's Health and Genetics/Laboratory Corporation of America, LabCorp); PubMed 18284688 (cited by Sema4 and Women's Health and Genetics/Laboratory Corporation of America, LabCorp).